The following is an entry in ClinVar:

ClinVar aggregate classification (germline): Uncertain significance (1 of 4 stars; one submission).

Submission:

Labcorp Genetics (formerly Invitae), Labcorp
Classification: Uncertain significance. Last evaluated: 2023-11-12. Review status: criteria provided, single submitter. Criteria: Invitae Variant Classification Sherloc (09022015). Collection method: clinical testing. Allele origin: germline.
Comment: This sequence change creates a premature translational stop signal (p.Gly605Argfs*11) in the COL9A3 gene. While this is not anticipated to result in nonsense mediated decay, it is expected to disrupt the last 80 amino acid(s) of the COL9A3 protein. This variant is not present in population databases (gnomAD no frequency). This variant has not been reported in the literature in individuals affected with COL9A3-related conditions. Experimental studies and prediction algorithms are not available or were not evaluated, and the functional significance of this variant is currently unknown. In summary, the available evidence is currently insufficient to determine the role of this variant in disease. Therefore, it has been classified as a Variant of Uncertain Significance.

NM_001853.4(COL9A3):c.1812dup (p.Gly605fs)

Gene: COL9A3 (collagen type IX alpha 3 chain; plus strand). Cytogenetic location: 20q13.33.
Variant type: Duplication.
Coding change: c.1812dup on transcript NM_001853.4 (MANE Select); coding-DNA position 1812, one base duplicated (A; older notation c.1812dupA).
Protein change: p.Gly605fs; shifts the reading frame from glycine 605.
Molecular consequence: frameshift variant.
Genome position (GRCh38, 1-based): chr20:62,838,709, A duplicated; the last of 3 consecutive A bases (chr20:62,838,707-62,838,709); duplicating any one gives the same sequence. VCF-style (leftmost placement, unchanged base first): chr20-62838706-C-CA. GRCh37 (hg19) VCF-style: chr20-61470058-C-CA.
Other names: short protein forms G605fs.
Identifiers: ClinVar variation 2695260 (VCV002695260.3), dbSNP rs1217462652, ClinGen allele CA2697547445.